The following is an entry in ClinVar:

ClinVar aggregate classification (germline): Pathogenic. Review status: criteria provided, multiple submitters, no conflicts (2 of 4 stars). 2 submissions from 2 submitters: Pathogenic (2). Last evaluated 2024-11-13.

Conditions:
Niemann-Pick disease, type C1. Also called: NEUROVISCERAL STORAGE DISEASE WITH VERTICAL SUPRANUCLEAR OPHTHALMOPLEGIA; NIEMANN-PICK DISEASE WITH CHOLESTEROL ESTERIFICATION BLOCK; NIEMANN-PICK DISEASE WITHOUT SPHINGOMYELINASE DEFICIENCY; NIEMANN-PICK DISEASE, CHRONIC NEURONOPATHIC FORM; NIEMANN-PICK DISEASE, VARIANT TYPE C1. Identifiers: Orphanet 646, MedGen C3179455, MONDO:0009757, OMIM 257220.

Submissions (2):

Myriad Genetics, Inc.
Classification: Pathogenic for Niemann-Pick disease, type C1. Last evaluated: 2024-11-13. Review status: criteria provided, single submitter. Criteria: Myriad Autosomal Dominant, Autosomal Recessive and X-Linked Classification Criteria (2023). Collection method: clinical testing. Allele origin: unknown.
Comment: NM_000271.4(NPC1):c.692_693delTG(V231Gfs*2) is expected to be pathogenic in the context of Niemann-Pick disease type C1. This variant is predicted to lead to an abnormal or absent protein product due to the creation of a premature termination codon in NPC1, a gene where loss-of-function variants are known to be pathogenic. Please note: this variant was assessed in the context of healthy population screening.

CENTOGENE GmbH and LLC - Guiding Precision Medicine
Classification: Pathogenic for Niemann-Pick disease, type C1. Last evaluated: 2022-08-30. Review status: criteria provided, single submitter. Criteria: ACMG Guidelines, 2015. Collection method: clinical testing. Allele origin: germline. Affected: yes.

NM_000271.5(NPC1):c.692_693del (p.Val231fs)

Gene: NPC1 (NPC intracellular cholesterol transporter 1; minus strand). Cytogenetic location: 18q11.2.
Variant type: Microsatellite.
Coding change: c.692_693del on transcript NM_000271.5 (MANE Select); coding-DNA positions 692 to 693, 2 bases deleted (TG; older notation c.692_693delTG).
Protein change: p.Val231fs; shifts the reading frame from valine 231.
Molecular consequence: frameshift variant.
Genome position (GRCh38, 1-based): chr18:23,560,419-23,560,420, CA deleted on the plus strand (TG on the coding strand, the reverse complement: NPC1 is on the minus strand); deleting any 2 consecutive bases within chr18:23,560,419-23,560,422 gives the same sequence; the c. name uses the placement nearest the transcript's 3' end. VCF-style (leftmost placement, unchanged base first): chr18-23560418-CCA-C. GRCh37 (hg19) VCF-style: chr18-21140382-CCA-C.
Other names: short protein forms V231fs.
Identifiers: ClinVar variation 1705808 (VCV001705808.2), dbSNP rs2511303464, ClinGen allele CA2580612677.